The following is an entry in ClinVar:

ClinVar aggregate classification (germline): Likely benign. Review status: criteria provided, multiple submitters, no conflicts (2 of 4 stars). 2 submissions from 2 submitters: Likely benign (2). Last evaluated 2025-02-01.

Allele frequency attached by ClinVar (database versions not stated): TOPMed 0.00005; gnomAD 0.00007; ExAC 0.00011; 1000 Genomes Project 30x 0.00016; 1000 Genomes Project 0.00020.
gnomAD v4.1: 129 of 1,613,936 alleles (0.008%); highest among the groups gnomAD compares: South Asian, 0.1%; 3 homozygotes.

Submissions (2):

CeGaT Center for Human Genetics Tuebingen
Classification: Likely benign. Last evaluated: 2025-02-01. Review status: criteria provided, single submitter. Criteria: CeGaT Center For Human Genetics Tuebingen Variant Classification Criteria Version 2. Collection method: clinical testing. Allele origin: germline. Affected: yes. Observed: 1 variant allele.
Comment: ZNF407: BP4, BS2

Ambry Genetics
Classification: Likely benign. Last evaluated: 2023-07-25. Review status: criteria provided, single submitter. Criteria: Ambry Variant Classification Scheme 2023. Collection method: clinical testing. Allele origin: germline.

NM_017757.3(ZNF407):c.2780G>A (p.Ser927Asn)

Genes: ZNF407 (zinc finger protein 407; plus strand), LOC126862798 (MED14-independent group 3 enhancer GRCh37_chr18:72345358-72346557; plus strand). Cytogenetic location: 18q22.3.
Variant type: single nucleotide variant.
Coding change: c.2780G>A on transcript NM_017757.3 (MANE Select); coding-DNA position 2780, G replaced by A.
Protein change: p.Ser927Asn; replaces serine 927 with asparagine.
Molecular consequence: missense variant.
Genome position (GRCh38, 1-based): chr18:74,633,799, G>A. VCF-style: chr18-74633799-G-A. GRCh37 (hg19) VCF-style: chr18-72345755-G-A.
Other names: c.2780G>A, p.Ser927Asn (NM_001146189.1, NM_001146190.1, NM_001384475.1); short protein forms S927N.
Identifiers: ClinVar variation 2590400 (VCV002590400.15), dbSNP rs552346866, ClinGen allele CA9000581.
Genomic context (GRCh38, chr18:74,633,799, plus strand): 5'-TAGAAATAGAAGCAAGTGGAAAACACAGTTCAGATATCATTGTTGGCCCTGAAGGGGGTA[G>A]CCTTGAAGCTGGTAAAAAGAATGCTGGCTCAGCAGTGACCATGTCAGATGAACATGCTAA-3'
Protein context (NP_060227.2, residues 917-937): SDIIVGPEGG[Ser927Asn]LEAGKKNAGS